The following is an entry in ClinVar:

ClinVar aggregate classification (germline): Uncertain significance. Review status: criteria provided, multiple submitters, no conflicts (2 of 4 stars). 4 submissions from 4 submitters: Uncertain significance (3). 1 of the submissions does not count toward it. Last evaluated 2025-09-01.

Conditions:
Inborn genetic diseases. Identifiers: MedGen C0950123, MeSH D030342.
Nephronophthisis. Also called: Juvenile Nephronophthisis. Identifiers: Orphanet 655, MedGen C0687120, MONDO:0019005, HP:0000090.
INVS-related disorder. Also called: INVS-related condition.

Allele frequency attached by ClinVar (database versions not stated): gnomAD exomes 0.00001 and 0.00002; ExAC 0.00002; TOPMed 0.00002; gnomAD 0.00003 and 0.00004; 1000 Genomes Project 30x 0.00016; 1000 Genomes Project 0.00020.
gnomAD v4.1: 17 of 1,613,444 alleles (0.0011%); highest among the groups gnomAD compares: East Asian, 0.036%; no homozygotes.

Submissions (4):

Ambry Genetics
Classification: Uncertain significance for Inborn genetic diseases. Last evaluated: 2025-09-01. Review status: criteria provided, single submitter. Criteria: Ambry Variant Classification Scheme 2023. Collection method: clinical testing. Allele origin: germline.

Labcorp Genetics (formerly Invitae), Labcorp
Classification: Uncertain significance for Nephronophthisis. Last evaluated: 2022-07-19. Review status: criteria provided, single submitter. Criteria: Invitae Variant Classification Sherloc (09022015). Collection method: clinical testing. Allele origin: germline.
Comment: This sequence change replaces glutamic acid, which is acidic and polar, with aspartic acid, which is acidic and polar, at codon 605 of the INVS protein (p.Glu605Asp). This variant is present in population databases (rs540466137, gnomAD 0.05%). This variant has not been reported in the literature in individuals affected with INVS-related conditions. ClinVar contains an entry for this variant (Variation ID: 970382). Algorithms developed to predict the effect of missense changes on protein structure and function are either unavailable or do not agree on the potential impact of this missense change (SIFT: "Tolerated"; PolyPhen-2: "Possibly Damaging"; Align-GVGD: "Class C0"). In summary, the available evidence is currently insufficient to determine the role of this variant in disease. Therefore, it has been classified as a Variant of Uncertain Significance.

Blueprint Genetics
Classification: Uncertain significance. Last evaluated: 2022-07-01. Review status: criteria provided, single submitter. Criteria: ACMG Guidelines, 2015. Collection method: clinical testing. Allele origin: germline.

PreventionGenetics, part of Exact Sciences
Classification: Uncertain significance for INVS-related condition. Last evaluated: 2024-02-28. Review status: no assertion criteria provided. Collection method: clinical testing. Allele origin: germline. Not counted in ClinVar's aggregate classification.
Comment: The INVS c.1815G>C variant is predicted to result in the amino acid substitution p.Glu605Asp. To our knowledge, this variant has not been reported in the literature. This variant is reported in 0.045% of alleles in individuals of East Asian descent in gnomAD. At this time, the clinical significance of this variant is uncertain due to the absence of conclusive functional and genetic evidence.

NM_014425.5(INVS):c.1815G>C (p.Glu605Asp)

Gene: INVS (inversin; plus strand). Cytogenetic location: 9q31.1.
Variant type: single nucleotide variant.
Coding change: c.1815G>C on transcript NM_014425.5 (MANE Select); coding-DNA position 1815, G replaced by C.
Protein change: p.Glu605Asp; replaces glutamic acid 605 with aspartic acid.
Molecular consequence: missense variant. On other transcripts: non-coding transcript variant (1).
Genome position (GRCh38, 1-based): chr9:100,284,350, G>C. VCF-style: chr9-100284350-G-C. GRCh37 (hg19) VCF-style: chr9-103046632-G-C.
Other names: c.1815G>C (NM_014425.2, NM_014425.4); c.1527G>C, p.Glu509Asp (NM_001318381.2); c.837G>C, p.Glu279Asp (NM_001318382.2); short protein forms E605D, E279D, E509D.
Identifiers: ClinVar variation 970382 (VCV000970382.13), dbSNP rs540466137, ClinGen allele CA5158495.